The following is an entry in ClinVar:

ClinVar aggregate classification (germline): Conflicting classifications of pathogenicity. Review status: criteria provided, conflicting classifications (1 of 4 stars). 3 submissions from 3 submitters: Likely pathogenic (2); Uncertain significance (1). Last evaluated 2025-03-17.

Conditions:
Nemaline myopathy. Also called: Myopathies, Nemaline. Identifiers: Orphanet 607, MedGen C0206157, MONDO:0018958.
Arthrogryposis multiplex congenita 6. Identifiers: MedGen C5543431, MONDO:0030281, OMIM 619334.
Nemaline myopathy 2 (NEM2). Also called: Nemaline myopathy 2, autosomal recessive. Identifiers: MedGen C1850569, MONDO:0009725, OMIM 256030.

Allele frequency attached by ClinVar (database versions not stated): gnomAD exomes below 0.00001; TOPMed below 0.00001.
gnomAD v4.1: 1 of 1,611,482 alleles (0.000062%); highest among the groups gnomAD compares: Admixed American, 0.0017%; no homozygotes.

Submissions (3):

Broad Center for Mendelian Genomics, Broad Institute of MIT and Harvard
Classification: Uncertain significance for Nemaline myopathy. Last evaluated: 2025-03-17. Review status: criteria provided, single submitter. Criteria: ACMG Guidelines, 2015. Collection method: curation. Allele origin: germline. Inheritance: Autosomal recessive inheritance.
Comment: The c.10144-2A>G variant in NEB has not been previously reported in the literature in individuals with nemaline myopathy, but has been identified in 0.002% (1/59912) of Latino/Admixed American chromosomes by the Genome Aggregation Database (gnomAD; dbSNP ID: rs1435980710). Although this variant has been seen in the general population in a heterozygous state, its frequency is low enough to be consistent with a recessive carrier frequency. This variant has also been reported in ClinVar (Variation ID: 1066180) and has been interpreted as likely pathogenic by Invitae. This variant is located in the 3' splice region. Computational tools predict a splicing impact, though this information is not predictive enough to determine pathogenicity. There is an in-frame cryptic splice site 24 bases from the intron-exon boundary, providing evidence that this variant may delete 8 amino acids instead of causing loss of function. However, this information is not predictive enough to determine pathogenicity. Loss of function of the NEB gene is an established disease mechanism in autosomal recessive nemaline myopathy. In summary, the clinical significance of the c.10144-2A>G variant is uncertain. ACMG/AMP Criteria applied: PVS1_moderate, PM2_supporting (Richards 2015).

Baylor Genetics
Classification: Likely pathogenic for Arthrogryposis multiplex congenita 6. Last evaluated: 2023-07-30. Review status: criteria provided, single submitter. Criteria: ACMG Guidelines, 2015. Collection method: clinical testing. Allele origin: unknown.

Labcorp Genetics (formerly Invitae), Labcorp
Classification: Likely pathogenic for Nemaline myopathy 2. Last evaluated: 2021-11-12. Review status: criteria provided, single submitter. Criteria: Invitae Variant Classification Sherloc (09022015). Collection method: clinical testing. Allele origin: germline.
Comment: This sequence change affects an acceptor splice site in intron 69 of the NEB gene. It is expected to disrupt RNA splicing. Variants that disrupt the donor or acceptor splice site typically lead to a loss of protein function (PMID: 16199547), and loss-of-function variants in NEB are known to be pathogenic (PMID: 25205138). This variant is present in population databases (no rsID available, gnomAD 0.003%). This variant has not been reported in the literature in individuals affected with NEB-related conditions. ClinVar contains an entry for this variant (Variation ID: 1066180). Algorithms developed to predict the effect of sequence changes on RNA splicing suggest that this variant may disrupt the consensus splice site. In summary, the currently available evidence indicates that the variant is pathogenic, but additional data are needed to prove that conclusively. Therefore, this variant has been classified as Likely Pathogenic.

Literature cited by the submitters: PubMed 16199547 (cited by Labcorp Genetics (formerly Invitae), Labcorp); PubMed 25205138 (cited by Labcorp Genetics (formerly Invitae), Labcorp).

NM_001164508.2(NEB):c.10144-2A>G

Gene: NEB (nebulin; minus strand). Cytogenetic location: 2q23.3.
Variant type: single nucleotide variant.
Coding change: c.10144-2A>G on transcript NM_001164508.2 (MANE Select); the canonical splice acceptor site of the intron before coding-DNA position 10144, A replaced by G.
Molecular consequence: splice acceptor variant.
Genome position (GRCh38, 1-based): chr2:151,627,207, T>C on the plus strand (A>G on the coding strand, the complement: NEB is on the minus strand). VCF-style: chr2-151627207-T-C. GRCh37 (hg19) VCF-style: chr2-152483721-T-C.
Other names: c.10144-2A>G (NM_001271208.1, NM_001164507.2, NM_001271208.2); c.9415-2A>G (NM_004543.5).
Identifiers: ClinVar variation 1066180 (VCV001066180.9), dbSNP rs1435980710, ClinGen allele CA348793739.